The following is an entry in ClinVar:

ClinVar aggregate classification (germline): Uncertain significance (1 of 4 stars; one submission).

Conditions:
Symmetrical dyschromatosis of extremities (DSH). Also called: DYSCHROMATOSIS SYMMETRICA HEREDITARIA 1; RETICULATE ACROPIGMENTATION OF DOHI; SYMMETRIC DYSCHROMATOSIS OF THE EXTREMITIES; Dyschromatosis symmetrica hereditaria. Identifiers: Orphanet 41, MedGen C0406775, MONDO:0007483, OMIM 127400.
Aicardi-Goutieres syndrome 6 (AGS6). Identifiers: Orphanet 51, MedGen C3539013, MONDO:0014007, OMIM 615010.

gnomAD v4.1: 2 of 1,614,108 alleles (0.00012%); highest among the groups gnomAD compares: East Asian, 0.0022%; no homozygotes.

Submission:

Labcorp Genetics (formerly Invitae), Labcorp
Classification: Uncertain significance for Aicardi-Goutieres syndrome 6; Symmetrical dyschromatosis of extremities. Last evaluated: 2024-02-06. Review status: criteria provided, single submitter. Criteria: Invitae Variant Classification Sherloc (09022015). Collection method: clinical testing. Allele origin: germline.
Comment: This sequence change replaces phenylalanine, which is neutral and non-polar, with leucine, which is neutral and non-polar, at codon 609 of the ADAR protein (p.Phe609Leu). This variant is present in population databases (rs755344622, gnomAD 0.006%). This variant has not been reported in the literature in individuals affected with ADAR-related conditions. Advanced modeling of protein sequence and biophysical properties (such as structural, functional, and spatial information, amino acid conservation, physicochemical variation, residue mobility, and thermodynamic stability) performed at Invitae indicates that this missense variant is not expected to disrupt ADAR protein function with a negative predictive value of 80%. In summary, the available evidence is currently insufficient to determine the role of this variant in disease. Therefore, it has been classified as a Variant of Uncertain Significance.

NM_001111.5(ADAR):c.1827C>G (p.Phe609Leu)

Gene: ADAR (adenosine deaminase RNA specific; minus strand). Cytogenetic location: 1q21.3.
Variant type: single nucleotide variant.
Coding change: c.1827C>G on transcript NM_001111.5 (MANE Select); coding-DNA position 1827, C replaced by G.
Protein change: p.Phe609Leu; replaces phenylalanine 609 with leucine.
Molecular consequence: missense variant.
Genome position (GRCh38, 1-based): chr1:154,597,935, G>C on the plus strand (C>G on the coding strand, the complement: ADAR is on the minus strand). VCF-style: chr1-154597935-G-C. GRCh37 (hg19) VCF-style: chr1-154570411-G-C.
Other names: c.942C>G, p.Phe314Leu (NM_001025107.3, NM_001193495.2, NM_001365046.1 and 3 more transcripts); c.1854C>G, p.Phe618Leu (NM_001365045.1); c.1827C>G, p.Phe609Leu (NM_015840.4, NM_015841.4); short protein forms F314L, F609L, F618L.
Identifiers: ClinVar variation 3750231 (VCV003750231.2).
Genomic context (GRCh38, chr1:154,597,935, plus strand): 5'-GGAGTTCCCCAATTTGTGCATACACTCAAGCAGTGTGGTGACGGGGCTCTTCCCAGAAAA[G>C]AAGGATGTGGCTGAAGGGGTGGGGGTCTGGGACTCTGCAGTCTAGAGAAAATGAGAGACA-3'
Protein context (NP_001102.3, residues 599-619): SQTPTPSATS[Phe609Leu]FSGKSPVTTL